The following is an entry in ClinVar:

NM_000593.6(TAP1):c.2081G>A (p.Arg694His)

Genes: PSMB8-AS1 (PSMB8 antisense RNA 1; plus strand), TAP1 (transporter 1, ATP binding cassette subfamily B member; minus strand). Cytogenetic location: 6p21.32.
Variant type: single nucleotide variant.
Coding change: c.2081G>A on transcript NM_000593.6 (MANE Select); coding-DNA position 2081, G replaced by A.
Protein change: p.Arg694His; replaces arginine 694 with histidine.
Molecular consequence: missense variant. On other transcripts: non-coding transcript variant (4).
Genome position (GRCh38, 1-based): chr6:32,845,745, C>T on the plus strand (G>A on the coding strand, the complement: TAP1 is on the minus strand). VCF-style: chr6-32845745-C-T. GRCh37 (hg19) VCF-style: chr6-32813522-C-T.
Other names: c.1478G>A, p.Arg493His (NM_001292022.2); short protein forms R493H, R694H.
Identifiers: ClinVar variation 1384330 (VCV001384330.6), dbSNP rs566329319, ClinGen allele CA3746579.

ClinVar aggregate classification (germline): Uncertain significance (1 of 4 stars; one submission).

Conditions:
MHC class I deficiency. Identifiers: Orphanet 34592, MedGen C6024714, MONDO:0011476.

Allele frequency attached by ClinVar (database versions not stated): TOPMed below 0.00001; ExAC 0.00003; gnomAD exomes 0.00004.

Submission:

Labcorp Genetics (formerly Invitae), Labcorp
Classification: Uncertain significance for MHC class I deficiency 1. Last evaluated: 2022-07-08. Review status: criteria provided, single submitter. Criteria: Invitae Variant Classification Sherloc (09022015). Collection method: clinical testing. Allele origin: germline.
Comment: ClinVar contains an entry for this variant (Variation ID: 1384330). In summary, the available evidence is currently insufficient to determine the role of this variant in disease. Therefore, it has been classified as a Variant of Uncertain Significance. Algorithms developed to predict the effect of missense changes on protein structure and function are either unavailable or do not agree on the potential impact of this missense change (SIFT: "Deleterious"; PolyPhen-2: "Probably Damaging"; Align-GVGD: "Class C0"). This variant has not been reported in the literature in individuals affected with TAP1-related conditions. This variant is present in population databases (rs566329319, gnomAD 0.03%). This sequence change replaces arginine, which is basic and polar, with histidine, which is basic and polar, at codon 754 of the TAP1 protein (p.Arg754His).